The following is an entry in ClinVar:

NM_000429.3(MAT1A):c.760G>A (p.Gly254Ser)

Gene: MAT1A (methionine adenosyltransferase 1A; minus strand). Cytogenetic location: 10q22.3.
Variant type: single nucleotide variant.
Coding change: c.760G>A on transcript NM_000429.3 (MANE Select); coding-DNA position 760, G replaced by A.
Protein change: p.Gly254Ser; replaces glycine 254 with serine.
Molecular consequence: missense variant.
Genome position (GRCh38, 1-based): chr10:80,276,384, C>T on the plus strand (G>A on the coding strand, the complement: MAT1A is on the minus strand). VCF-style: chr10-80276384-C-T. GRCh37 (hg19) VCF-style: chr10-82036140-C-T.
Other names: short protein forms G254S.
Identifiers: ClinVar variation 1036121 (VCV001036121.9), dbSNP rs1841485508, ClinGen allele CA377361560.

ClinVar aggregate classification (germline): Uncertain significance (1 of 4 stars; one submission).

Conditions:
Hepatic methionine adenosyltransferase deficiency. Also called: Isolated Persistent Hypermethioninemia; MAT I/III DEFICIENCY; Deficiency of methionine adenosyltransferase; Methionine adenosyltransferase deficiency. Identifiers: Orphanet 168598, MedGen C0268621, MeSH C564683, MONDO:0009607, OMIM 250850.

Submission:

Labcorp Genetics (formerly Invitae), Labcorp
Classification: Uncertain significance for Hepatic methionine adenosyltransferase deficiency. Last evaluated: 2020-11-14. Review status: criteria provided, single submitter. Criteria: Invitae Variant Classification Sherloc (09022015). Collection method: clinical testing. Allele origin: germline.
Comment: This sequence change replaces glycine with serine at codon 254 of the MAT1A protein (p.Gly254Ser). The glycine residue is highly conserved and there is a small physicochemical difference between glycine and serine. This variant is not present in population databases (ExAC no frequency). This variant has not been reported in the literature in individuals with MAT1A-related conditions. Algorithms developed to predict the effect of missense changes on protein structure and function (SIFT, PolyPhen-2, Align-GVGD) all suggest that this variant is likely to be disruptive, but these predictions have not been confirmed by published functional studies and their clinical significance is uncertain. In summary, the available evidence is currently insufficient to determine the role of this variant in disease. Therefore, it has been classified as a Variant of Uncertain Significance.